The following is an entry in ClinVar:

ClinVar aggregate classification (germline): Uncertain significance. Review status: criteria provided, multiple submitters, no conflicts (2 of 4 stars). 2 submissions from 2 submitters: Uncertain significance (2). Last evaluated 2025-01-08.

Conditions:
Hereditary breast ovarian cancer syndrome. Also called: Hereditary breast and ovarian cancer syndrome; Breast and ovarian cancer; BRCA1- and BRCA2-Associated Hereditary Breast and Ovarian Cancer; Hereditary breast and ovarian cancer; Hereditary breast and/or ovarian cancer syndrome; Hereditary breast and ovarian cancer syndrome (HBOC). Identifiers: Orphanet 145, MedGen C0677776, MeSH D061325, MONDO:0003582. Disease mechanism: loss of function.
Hereditary cancer-predisposing syndrome. Also called: Hereditary neoplastic syndrome; Neoplastic Syndromes, Hereditary; Tumor predisposition; Hereditary Cancer Syndrome. Identifiers: Orphanet 140162, MedGen C0027672, MeSH D009386, MONDO:0015356.

Allele frequency attached by ClinVar (database versions not stated): gnomAD exomes below 0.00001.
gnomAD v4.1: 1 of 1,613,270 alleles (0.000062%); highest among the groups gnomAD compares: South Asian, 0.0011%; no homozygotes.

Submissions (2):

Ambry Genetics
Classification: Uncertain significance for Hereditary cancer-predisposing syndrome. Last evaluated: 2025-01-08. Review status: criteria provided, single submitter. Criteria: Ambry Variant Classification Scheme 2023. Collection method: clinical testing. Allele origin: germline.
Comment: The p.K102T variant (also known as c.305A>C), located in coding exon 2 of the BRCA2 gene, results from an A to C substitution at nucleotide position 305. The lysine at codon 102 is replaced by threonine, an amino acid with similar properties. This amino acid position is poorly conserved in available vertebrate species. In addition, this alteration is predicted to be tolerated by in silico analysis. Since supporting evidence is limited at this time, the clinical significance of this alteration remains unclear.

Labcorp Genetics (formerly Invitae), Labcorp
Classification: Uncertain significance for Hereditary breast ovarian cancer syndrome. Last evaluated: 2023-12-21. Review status: criteria provided, single submitter. Criteria: Invitae Variant Classification Sherloc (09022015). Collection method: clinical testing. Allele origin: germline.
Comment: This sequence change replaces lysine, which is basic and polar, with threonine, which is neutral and polar, at codon 102 of the BRCA2 protein (p.Lys102Thr). This variant is not present in population databases (gnomAD no frequency). This variant has not been reported in the literature in individuals affected with BRCA2-related conditions. ClinVar contains an entry for this variant (Variation ID: 837056). Advanced modeling of protein sequence and biophysical properties (such as structural, functional, and spatial information, amino acid conservation, physicochemical variation, residue mobility, and thermodynamic stability) performed at Invitae indicates that this missense variant is not expected to disrupt BRCA2 protein function with a negative predictive value of 95%. In summary, the available evidence is currently insufficient to determine the role of this variant in disease. Therefore, it has been classified as a Variant of Uncertain Significance.

NM_000059.4(BRCA2):c.305A>C (p.Lys102Thr)

Gene: BRCA2 (BRCA2 DNA repair associated; plus strand). Cytogenetic location: 13q13.1.
Variant type: single nucleotide variant.
Coding change: c.305A>C on transcript NM_000059.4 (MANE Select); coding-DNA position 305, A replaced by C.
Protein change: p.Lys102Thr; replaces lysine 102 with threonine.
Molecular consequence: missense variant.
Genome position (GRCh38, 1-based): chr13:32,319,314, A>C. VCF-style: chr13-32319314-A-C. GRCh37 (hg19) VCF-style: chr13-32893451-A-C.
Other names: short protein forms K102T.
Identifiers: ClinVar variation 837056 (VCV000837056.13), dbSNP rs80358549, ClinGen allele CA387754694.
Genomic context (GRCh38, chr13:32,319,314, plus strand): 5'-AAGAGCAAGGGCTGACTCTGCCGCTGTACCAATCTCCTGTAAAAGAATTAGATAAATTCA[A>C]ATTAGACTTAGGTAAGTAATGCAATATGGTAGACTGGGGAGAACTACAAACTAGGAATTT-3'
Protein context (NP_000050.3, residues 92-112): QSPVKELDKF[Lys102Thr]LDLGRNVPNS